The following is an entry in ClinVar:

ClinVar aggregate classification (germline): Pathogenic (1 of 4 stars; one submission).

Conditions:
Hereditary angioedema type 1 (HAE1). Identifiers: Orphanet 100050, Orphanet 100051, Orphanet 91378, MedGen C2717906, MONDO:0015053, OMIM 106100.

Submission:

DNA-diagnostics Laboratory, Research Centre For Medical Genetics
Classification: Pathogenic for Hereditary angioedema type 1. Last evaluated: 2024-07-21. Review status: criteria provided, single submitter. Criteria: ACMG Guidelines, 2015. Collection method: research. Allele origin: germline. Inheritance: Autosomal dominant inheritance. Affected: yes. Observed: 1 heterozygote.
Comment: The c.110dupT variant in SERPING1 meets ACMG/ClinGen SVI guidance criteria to be classified as pathogenic: PVS1, PP4_Str, PM2_Sup

NM_000062.3(SERPING1):c.110dup (p.Leu37fs)

Gene: SERPING1 (serpin family G member 1; plus strand). Cytogenetic location: 11q12.1.
Variant type: Duplication.
Coding change: c.110dup on transcript NM_000062.3 (MANE Select); coding-DNA position 110, one base duplicated (T; older notation c.110dupT).
Protein change: p.Leu37fs; shifts the reading frame from leucine 37.
Molecular consequence: frameshift variant.
Genome position (GRCh38, 1-based): chr11:57,599,937, T duplicated; the last of 3 consecutive T bases (chr11:57,599,935-57,599,937); duplicating any one gives the same sequence. VCF-style (leftmost placement, unchanged base first): chr11-57599934-G-GT. GRCh37 (hg19) VCF-style: chr11-57367407-G-GT.
Other names: c.110dup, p.Leu37fs (NM_001032295.2); c.110dupT (NM_000062.3); short protein forms L37fs.
Identifiers: ClinVar variation 3255508 (VCV003255508.2), dbSNP rs2495425144.
Genomic context (GRCh38, chr11:57,599,934, plus strand): 5'-CACAGGATAGAGCCTCCTCAAATCCAAATGCTACCAGCTCCAGCTCCCAGGATCCAGAGA[G>GT]TTTGCAAGACAGAGGCGAAGGGAAGGTCGCAACAACAGTTATCTCCAAGATGCTATTCGT-3'